The following is an entry in ClinVar:

NM_001482.3(GATM):c.1209del (p.Gly404fs)

Gene: GATM (glycine amidinotransferase; minus strand). Cytogenetic location: 15q21.1.
Variant type: Deletion.
Coding change: c.1209del on transcript NM_001482.3 (MANE Select); coding-DNA position 1209, one base deleted (A; older notation c.1209delA).
Protein change: p.Gly404fs; shifts the reading frame from glycine 404.
Molecular consequence: frameshift variant.
Genome position (GRCh38, 1-based): chr15:45,362,172, T deleted on the plus strand (A on the coding strand, the reverse complement: GATM is on the minus strand). VCF-style (leftmost placement, unchanged base first): chr15-45362171-CT-C. GRCh37 (hg19) VCF-style: chr15-45654369-CT-C.
Other names: NM_001482.3(GATM):c.1209del; p.Gly404fs; c.822del, p.Gly275fs (NM_001321015.2); short protein forms G275fs, G404fs.
Identifiers: ClinVar variation 570204 (VCV000570204.10), dbSNP rs1566838819, ClinGen allele CA891843836.

ClinVar aggregate classification (germline): Uncertain significance. Review status: reviewed by expert panel (3 of 4 stars). 2 submissions from 2 submitters: Uncertain significance (1). 1 of the submissions does not count toward it. Last evaluated 2025-04-11.

Conditions:
Arginine:glycine amidinotransferase deficiency (CCDS3). Also called: L-Arginine:Glycine Amidinotransferase (AGAT) Deficiency; Cerebral creatine deficiency syndrome 3; L-Arginine:Glycine Amidinotransferase Deficiency; Creatine deficiency syndrome due to AGAT deficiency; GATM deficiency; AGAT deficiency. Identifiers: Orphanet 35704, MedGen C2675179, MONDO:0012996, OMIM 612718.

Submissions (2):

ClinGen Cerebral Creatine Deficiency Syndromes Variant Curation Expert Panel, ClinGen
Classification: Uncertain significance for Arginine:glycine amidinotransferase deficiency. Last evaluated: 2025-04-11. Review status: reviewed by expert panel. Criteria: ClinGen CCDS ACMG Specifications GATM V2.0.0. Collection method: curation. Allele origin: germline. Inheritance: Autosomal recessive inheritance.
Comment: The NM_001482.3:c.1209del (p.Gly404AlafsTer24) variant in GATM is a frameshift variant predicted to cause a premature stop codon in the last exon of the gene and therefore to escape nonsense mediated decay. Less than 10% of the protein is predicted to be removed; however, the truncated/altered region includes the active site residue Cys407 that is critical to protein function (PVS1_Strong; PMIDs 9148748, 9218780, 9266688). To our knowledge, this variant has not been reported in the literature in an individual with features of AGAT deficiency. This variant is absent in gnomAD v4.1.0. (PM2_Supporting). There is a ClinVar entry for this variant (Variation ID: 570204). In summary, this variant meets the criteria to be classified as a variant of uncertain significance for AGAT deficiency based on the ACMG/AMP criteria applied, as specified by the ClinGen Cerebral Creatine Deficiency Syndromes Variant Curation Expert Panel (Specifications Version 2.0.0): PVS1_Strong, PM2_Supporting. (Classification approved by the ClinGen CCDS VCEP on April 11, 2025).

Labcorp Genetics (formerly Invitae), Labcorp
Classification: Uncertain significance for Arginine:glycine amidinotransferase deficiency. Last evaluated: 2018-05-09. Review status: criteria provided, single submitter. Criteria: Invitae Variant Classification Sherloc (09022015). Collection method: clinical testing. Allele origin: germline. Not counted in ClinVar's aggregate classification.
Comment: In summary, the available evidence is currently insufficient to determine the role of this variant in disease. Therefore, it has been classified as a Variant of Uncertain Significance. The observation of one or more missense substitutions downstream of this variant (p.Arg413Trp and p.Arg413Gln) in affected individuals suggests that this may be a clinically significant region of the GATM protein (PMID: 27233232, 23660394, 26490222). This variant has not been reported in the literature in individuals with GATM-related disease. This variant is not present in population databases (ExAC no frequency). This sequence change deletes 1 nucleotide from exon 9 of the GATM mRNA (c.1209delA), and creates a frameshift in the last exon of the GATM mRNA (p.Gly404Alafs*24). While this is not anticipated to result in nonsense mediated decay, it is expected to disrupt the last 20 amino acids of the GATM protein, and to extend the protein by an additional 4 amino acids.

Literature cited by the submitters: PubMed 27233232 (cited by Labcorp Genetics (formerly Invitae), Labcorp); PubMed 23660394 (cited by Labcorp Genetics (formerly Invitae), Labcorp); PubMed 26490222 (cited by Labcorp Genetics (formerly Invitae), Labcorp).